The following is an entry in ClinVar:

NM_002691.4(POLD1):c.2728C>T (p.Arg910Trp)

Gene: POLD1 (DNA polymerase delta 1, catalytic subunit; plus strand). Cytogenetic location: 19q13.33.
Variant type: single nucleotide variant.
Coding change: c.2728C>T on transcript NM_002691.4 (MANE Select); coding-DNA position 2728, C replaced by T.
Protein change: p.Arg910Trp; replaces arginine 910 with tryptophan.
Molecular consequence: missense variant.
Genome position (GRCh38, 1-based): chr19:50,415,734, C>T. VCF-style: chr19-50415734-C-T. GRCh37 (hg19) VCF-style: chr19-50918991-C-T.
Other names: c.2728C>T, p.Arg910Trp (NM_001256849.1); c.2806C>T, p.Arg936Trp (NM_001308632.1); short protein forms R910W, R936W.
Identifiers: ClinVar variation 859028 (VCV000859028.7), dbSNP rs1228707178, ClinGen allele CA406985833.

ClinVar aggregate classification (germline): Uncertain significance. Review status: criteria provided, multiple submitters, no conflicts (2 of 4 stars). 2 submissions from 2 submitters: Uncertain significance (2). Last evaluated 2023-10-10.

Conditions:
POLD1-related polyposis and colorectal cancer syndrome (CRCS10). Also called: Colorectal cancer 10; COLORECTAL CANCER, SUSCEPTIBILITY TO, ON CHROMOSOME 19q; Colorectal cancer, susceptibility to, 10. Identifiers: Orphanet 220460, MedGen C2675481, MONDO:0012953, OMIM 612591.

Allele frequency attached by ClinVar (database versions not stated): gnomAD exomes below 0.00001.
gnomAD v4.1: 2 of 1,546,774 alleles (0.00013%); highest among the groups gnomAD compares: South Asian, 0.0012%; no homozygotes.

Submissions (2):

GeneDx
Classification: Uncertain significance. Last evaluated: 2023-10-10. Review status: criteria provided, single submitter. Criteria: GeneDx Variant Classification Process June 2021. Collection method: clinical testing. Allele origin: germline. Affected: yes.
Comment: Not observed at significant frequency in large population cohorts (gnomAD); In silico analysis supports that this missense variant has a deleterious effect on protein structure/function; Has not been previously published as pathogenic or benign to our knowledge; This variant is associated with the following publications: (PMID: 35116617, 29854292)

Labcorp Genetics (formerly Invitae), Labcorp
Classification: Uncertain significance for POLD1-related polyposis and colorectal cancer syndrome. Last evaluated: 2021-09-01. Review status: criteria provided, single submitter. Criteria: Invitae Variant Classification Sherloc (09022015). Collection method: clinical testing. Allele origin: germline.
Comment: This sequence change replaces arginine with tryptophan at codon 910 of the POLD1 protein (p.Arg910Trp). The arginine residue is highly conserved and there is a moderate physicochemical difference between arginine and tryptophan. The frequency data for this variant in the population databases is considered unreliable, as metrics indicate insufficient coverage at this position in the ExAC database. This variant has not been reported in the literature in individuals affected with POLD1-related conditions. ClinVar contains an entry for this variant (Variation ID: 859028). Algorithms developed to predict the effect of missense changes on protein structure and function are either unavailable or do not agree on the potential impact of this missense change (SIFT: "Deleterious"; PolyPhen-2: "Probably Damaging"; Align-GVGD: "Class C0"). In summary, the available evidence is currently insufficient to determine the role of this variant in disease. Therefore, it has been classified as a Variant of Uncertain Significance.